The following is an entry in ClinVar:

NM_005529.7(HSPG2):c.12691G>A (p.Glu4231Lys)

Genes: HSPG2 (heparan sulfate proteoglycan 2; minus strand), LDLRAD2 (low density lipoprotein receptor class A domain containing 2; plus strand). Cytogenetic location: 1p36.12.
Variant type: single nucleotide variant.
Coding change: c.12691G>A on transcript NM_005529.7 (MANE Select); coding-DNA position 12691, G replaced by A.
Protein change: p.Glu4231Lys; replaces glutamic acid 4231 with lysine.
Molecular consequence: missense variant. On other transcripts: 3 prime UTR variant (1).
Genome position (GRCh38, 1-based): chr1:21,824,590, C>T on the plus strand (G>A on the coding strand, the complement: HSPG2 is on the minus strand). VCF-style: chr1-21824590-C-T. GRCh37 (hg19) VCF-style: chr1-22151083-C-T.
Other names: c.12694G>A, p.Glu4232Lys (NM_001291860.2); c.*2375C>T (NM_001013693.3); short protein forms E4232K, E4231K.
Identifiers: ClinVar variation 1476220 (VCV001476220.9), dbSNP rs374870276, ClinGen allele CA669320.

ClinVar aggregate classification (germline): Uncertain significance. Review status: criteria provided, multiple submitters, no conflicts (2 of 4 stars). 2 submissions from 2 submitters: Uncertain significance (2). Last evaluated 2022-10-27.

Conditions:
Inborn genetic diseases. Identifiers: MedGen C0950123, MeSH D030342.

Allele frequency attached by ClinVar (database versions not stated): gnomAD exomes 0.00002 and 0.00003; TOPMed 0.00002; gnomAD 0.00003; ExAC 0.00004; ESP Exome Variant Server 0.00008.
gnomAD v4.1: 36 of 1,613,894 alleles (0.0022%); highest among the groups gnomAD compares: Middle Eastern, 0.016%; no homozygotes.

Submissions (2):

Ambry Genetics
Classification: Uncertain significance for Inborn genetic diseases. Last evaluated: 2022-10-27. Review status: criteria provided, single submitter. Criteria: Ambry Variant Classification Scheme 2023. Collection method: clinical testing. Allele origin: germline.

Labcorp Genetics (formerly Invitae), Labcorp
Classification: Uncertain significance. Last evaluated: 2021-08-07. Review status: criteria provided, single submitter. Criteria: Invitae Variant Classification Sherloc (09022015). Collection method: clinical testing. Allele origin: germline.
Comment: This sequence change replaces glutamic acid with lysine at codon 4231 of the HSPG2 protein (p.Glu4231Lys). The glutamic acid residue is moderately conserved and there is a small physicochemical difference between glutamic acid and lysine. This variant is present in population databases (rs374870276, ExAC 0.02%). This variant has not been reported in the literature in individuals affected with HSPG2-related conditions. Algorithms developed to predict the effect of missense changes on protein structure and function (SIFT, PolyPhen-2, Align-GVGD) all suggest that this variant is likely to be tolerated. In summary, the available evidence is currently insufficient to determine the role of this variant in disease. Therefore, it has been classified as a Variant of Uncertain Significance.